The following is an entry in ClinVar:

ClinVar aggregate classification (germline): Uncertain significance (1 of 4 stars; one submission).

Conditions:
Epilepsy, childhood absence, susceptibility to, 5. Identifiers: Orphanet 64280, MedGen C2677087, MONDO:0012843, OMIM 612269.
Epilepsy, childhood absence, susceptibility to, 1. Also called: Epilepsy, childhood absence 1. Identifiers: Orphanet 64280, MedGen C1838604, MONDO:0020759, OMIM 600131.

Submission:

Labcorp Genetics (formerly Invitae), Labcorp
Classification: Uncertain significance for Epilepsy, childhood absence 5; Epilepsy, childhood absence 1. Last evaluated: 2019-01-04. Review status: criteria provided, single submitter. Criteria: Invitae Variant Classification Sherloc (09022015). Collection method: clinical testing. Allele origin: germline.
Comment: This variant results in a copy number gain of the genomic region encompassing the full coding sequence of the GABRB3 gene. The boundaries of this event are unknown as they extend beyond the assayed region for this gene and therefore may encompass additional genes. As the precise location of this event is unknown, it may be in tandem or it may be located elsewhere in the genome. While a whole-gene copy number gain of just the GABRB3 gene alone has not been reported in the literature, much larger copy number variants encompassing more than 5 Mb of DNA (15q11-q13) and multiple adjacent genes have been reportedÂ¬â€ in individuals with a wide spectrum of neuropsychiatric disordersÂ¬â€ (PMID: 26068938, 23495136, 28281572). In summary, the available evidence is currently insufficient to determine the role of this variant in disease. Therefore, it has been classified as a Variant of Uncertain Significance.

Literature cited by the submitters: PubMed 26068938; PubMed 23495136; PubMed 28281572.

NC_000015.9:g.(?_27017808)_(27020442_?)dup

Gene: GABRB3 (gamma-aminobutyric acid type A receptor subunit beta3; minus strand). Cytogenetic location: 15q12.
Variant type: Duplication.
Identifiers: ClinVar variation 654110 (VCV000654110.1).